The following is an entry in ClinVar:

NM_000334.4(SCN4A):c.4197G>C (p.Glu1399Asp)

Genes: GH-LCR (growth hormone locus control region; plus strand), SCN4A (sodium voltage-gated channel alpha subunit 4; minus strand). Cytogenetic location: 17q23.3.
Variant type: single nucleotide variant.
Coding change: c.4197G>C on transcript NM_000334.4 (MANE Select); coding-DNA position 4197, G replaced by C.
Protein change: p.Glu1399Asp; replaces glutamic acid 1399 with aspartic acid.
Molecular consequence: missense variant.
Genome position (GRCh38, 1-based): chr17:63,942,917, C>G on the plus strand (G>C on the coding strand, the complement: SCN4A is on the minus strand). VCF-style: chr17-63942917-C-G. GRCh37 (hg19) VCF-style: chr17-62020277-C-G.
Other names: short protein forms E1399D.
Identifiers: ClinVar variation 4771193 (VCV004771193.1).

ClinVar aggregate classification (germline): Uncertain significance (1 of 4 stars; one submission).

Conditions:
Hyperkalemic periodic paralysis. Also called: Familial hyperkalemic periodic paralysis; Gamstorp disease. Identifiers: Orphanet 682, MedGen C0238357, MONDO:0008224, OMIM 170500, HP:0007215.

Submission:

Labcorp Genetics (formerly Invitae), Labcorp
Classification: Uncertain significance for Hyperkalemic periodic paralysis. Last evaluated: 2025-07-10. Review status: criteria provided, single submitter. Criteria: Invitae Variant Classification Sherloc (09022015). Collection method: clinical testing. Allele origin: germline.
Comment: This sequence change replaces glutamic acid, which is acidic and polar, with aspartic acid, which is acidic and polar, at codon 1399 of the SCN4A protein (p.Glu1399Asp). This variant is not present in population databases (gnomAD no frequency). This variant has not been reported in the literature in individuals affected with SCN4A-related conditions. Invitae Evidence Modeling of protein sequence and biophysical properties (such as structural, functional, and spatial information, amino acid conservation, physicochemical variation, residue mobility, and thermodynamic stability) indicates that this missense variant is expected to disrupt SCN4A protein function with a positive predictive value of 95%. In summary, the available evidence is currently insufficient to determine the role of this variant in disease. Therefore, it has been classified as a Variant of Uncertain Significance.